The following is an entry in ClinVar:

NM_001440.4(EXTL3):c.1015C>T (p.Arg339Trp)

Gene: EXTL3 (exostosin like glycosyltransferase 3; plus strand). Cytogenetic location: 8p21.1.
Variant type: single nucleotide variant.
Coding change: c.1015C>T on transcript NM_001440.4 (MANE Select); coding-DNA position 1015, C replaced by T.
Protein change: p.Arg339Trp; replaces arginine 339 with tryptophan.
Molecular consequence: missense variant.
Genome position (GRCh38, 1-based): chr8:28,717,074, C>T. VCF-style: chr8-28717074-C-T. GRCh37 (hg19) VCF-style: chr8-28574591-C-T.
Other names: short protein forms R339W.
Identifiers: ClinVar variation 417796 (VCV000417796.5), dbSNP rs747676107, ClinGen allele CA370858238.

ClinVar aggregate classification (germline): Uncertain significance. Review status: criteria provided, single submitter (1 of 4 stars). 2 submissions from 2 submitters: Uncertain significance (1). 1 of the submissions does not count toward it. Last evaluated 2024-03-02.

Conditions:
Immunoskeletal dysplasia with neurodevelopmental abnormalities (ISDNA). Identifiers: MedGen C4479452, MONDO:0044312, OMIM 617425.

Allele frequency attached by ClinVar (database versions not stated): TOPMed 0.00002.
gnomAD v4.1: 9 of 1,614,204 alleles (0.00056%); highest among the groups gnomAD compares: African/African-American, 0.0027%; no homozygotes.

Submissions (2):

Labcorp Genetics (formerly Invitae), Labcorp
Classification: Uncertain significance. Last evaluated: 2024-03-02. Review status: criteria provided, single submitter. Criteria: Invitae Variant Classification Sherloc (09022015). Collection method: clinical testing. Allele origin: germline.
Comment: This sequence change replaces arginine, which is basic and polar, with tryptophan, which is neutral and slightly polar, at codon 339 of the EXTL3 protein (p.Arg339Trp). This variant is present in population databases (no rsID available, gnomAD 0.0009%). This missense change has been observed in individual(s) with clinical features of EXTL3 deficiency (PMID: 28148688). It has also been observed to segregate with disease in related individuals. ClinVar contains an entry for this variant (Variation ID: 417796). Advanced modeling of protein sequence and biophysical properties (such as structural, functional, and spatial information, amino acid conservation, physicochemical variation, residue mobility, and thermodynamic stability) has been performed at Invitae for this missense variant, however the output from this modeling did not meet the statistical confidence thresholds required to predict the impact of this variant on EXTL3 protein function. In summary, the available evidence is currently insufficient to determine the role of this variant in disease. Therefore, it has been classified as a Variant of Uncertain Significance.

OMIM
Classification: Pathogenic for IMMUNOSKELETAL DYSPLASIA WITH NEURODEVELOPMENTAL ABNORMALITIES. Last evaluated: 2017-04-05. Review status: no assertion criteria provided. Collection method: literature only. Allele origin: germline. Not counted in ClinVar's aggregate classification.

Literature cited by the submitters: PubMed 28148688 (cited by Labcorp Genetics (formerly Invitae), Labcorp and OMIM).